The following is an entry in ClinVar:

NM_001267550.2(TTN):c.11311+2456C>T

Gene: TTN (titin; minus strand). Cytogenetic location: 2q31.2.
Variant type: single nucleotide variant.
Coding change: c.11311+2456C>T on transcript NM_001267550.2 (MANE Select); 2456 bases into the intron after coding-DNA position 11311, C replaced by T.
Molecular consequence: intron variant. On other transcripts: missense variant (1).
Genome position (GRCh38, 1-based): chr2:178,750,668, G>A on the plus strand (C>T on the coding strand, the complement: TTN is on the minus strand). VCF-style: chr2-178750668-G-A. GRCh37 (hg19) VCF-style: chr2-179615395-G-A.
Other names: c.11732C>T, p.Ser3911Phe (NM_133379.5); c.10222+2456C>T (NM_003319.4); c.10798+2456C>T (NM_133437.4); c.10597+2456C>T (NM_133432.3); c.10360+2456C>T (NM_133378.4, NM_001256850.1); short protein forms S3911F.
Identifiers: ClinVar variation 5038845 (VCV005038845.1).

ClinVar aggregate classification (germline): Uncertain significance (1 of 4 stars; one submission).

gnomAD v4.1: 21 of 1,612,624 alleles (0.0013%); highest among the groups gnomAD compares: Admixed American, 0.033%; no homozygotes.

Submission:

CeGaT Center for Human Genetics Tuebingen
Classification: Uncertain significance. Last evaluated: 2026-08-01. Review status: criteria provided, single submitter. Criteria: CeGaT Center For Human Genetics Tuebingen Variant Classification Criteria Version 2. Collection method: clinical testing. Allele origin: germline. Affected: yes. Observed: 1 variant allele.
Comment: TTN: PM2, BP4